The following is an entry in ClinVar:

ClinVar aggregate classification (germline): Pathogenic/Likely pathogenic. Review status: criteria provided, multiple submitters, no conflicts (2 of 4 stars). 4 submissions from 4 submitters: Pathogenic (3); Likely pathogenic (1). Last evaluated 2023-10-18.

Conditions:
Pontocerebellar hypoplasia type 6 (PCH6). Identifiers: Orphanet 166073, MedGen C1969084, MONDO:0012683, OMIM 611523.

Allele frequency attached by ClinVar (database versions not stated): gnomAD exomes below 0.00001; ExAC 0.00001.

Submissions (4):

Baylor Genetics
Classification: Likely pathogenic for Pontocerebellar hypoplasia type 6. Last evaluated: 2023-10-18. Review status: criteria provided, single submitter. Criteria: ACMG Guidelines, 2015. Collection method: clinical testing. Allele origin: unknown.

Labcorp Genetics (formerly Invitae), Labcorp
Classification: Pathogenic. Last evaluated: 2023-02-22. Review status: criteria provided, single submitter. Criteria: Invitae Variant Classification Sherloc (09022015). Collection method: clinical testing. Allele origin: germline.
Comment: For these reasons, this variant has been classified as Pathogenic. ClinVar contains an entry for this variant (Variation ID: 1686119). This variant has not been reported in the literature in individuals affected with RARS2-related conditions. This variant is present in population databases (rs753312969, gnomAD no frequency). This sequence change creates a premature translational stop signal (p.Gln464*) in the RARS2 gene. It is expected to result in an absent or disrupted protein product. Loss-of-function variants in RARS2 are known to be pathogenic (PMID: 17847012, 22569581, 26083569).

Dasa
Classification: Pathogenic for Pontocerebellar hypoplasia type 6. Last evaluated: 2022-11-03. Review status: criteria provided, single submitter. Criteria: ACMG Guidelines, 2015. Collection method: clinical testing. Allele origin: germline. Affected: yes. Observed: 1 variant allele.
Comment: The c.1390C>T;p.(Gln464*) variant creates a premature translational stop signal in the RARS2 gene. It is expected to result in an absent or disrupted protein product - PVS1. ClinVar contains an entry for this variant (Clinvar ID: 1686119) - PS4_supporting. The variant is present at low allele frequencies population databases (rs753312969 – gnomAD 0.00003990%; ABraOM no frequency) - PM2_supporting. In summary, the currently available evidence indicates that the variant is pathogenic.

Mendelics
Classification: Pathogenic for Pontocerebellar hypoplasia type 6. Last evaluated: 2022-05-04. Review status: criteria provided, single submitter. Criteria: Mendelics Assertion Criteria 2019. Collection method: clinical testing. Allele origin: germline.

Literature cited by the submitters: PubMed 17847012 (cited by Labcorp Genetics (formerly Invitae), Labcorp); PubMed 22569581 (cited by Labcorp Genetics (formerly Invitae), Labcorp); PubMed 26083569 (cited by Labcorp Genetics (formerly Invitae), Labcorp).

NM_020320.5(RARS2):c.1390C>T (p.Gln464Ter)

Gene: RARS2 (arginyl-tRNA synthetase 2, mitochondrial; minus strand). Cytogenetic location: 6q15.
Variant type: single nucleotide variant.
Coding change: c.1390C>T on transcript NM_020320.5 (MANE Select); coding-DNA position 1390, C replaced by T.
Protein change: p.Gln464Ter; replaces glutamine 464 with a stop codon.
Molecular consequence: nonsense. On other transcripts: non-coding transcript variant (23).
Genome position (GRCh38, 1-based): chr6:87,518,655, G>A on the plus strand (C>T on the coding strand, the complement: RARS2 is on the minus strand). VCF-style: chr6-87518655-G-A. GRCh37 (hg19) VCF-style: chr6-88228373-G-A.
Other names: c.865C>T, p.Gln289Ter (NM_001318785.2, NM_001350506.2, NM_001350507.2 and 4 more transcripts); c.1390C>T, p.Gln464Ter (NM_001350505.2); short protein forms Q289*, Q464*.
Identifiers: ClinVar variation 1686119 (VCV001686119.9), dbSNP rs753312969, ClinGen allele CA3916302.
Genomic context (GRCh38, chr6:87,518,655, plus strand): 5'-GTGCAGCACAAGGTTTCCCTGCAGCCTCTTCTCACCTGTGGAGGCGGGCGTGTGTGTACT[G>A]TAGGAAGACTCCTGTGTCCCCGCGACTCTGGAAAACACGATCCCAGCTGAACTTGTAGTC-3'